The following is an entry in ClinVar:

ClinVar aggregate classification (germline): Benign/Likely benign. Review status: criteria provided, multiple submitters, no conflicts (2 of 4 stars). 12 submissions from 11 submitters: Benign (4); Likely benign (7). 1 of the submissions does not count toward it. Last evaluated 2026-01-20.

Conditions:
Retinal dystrophy. Also called: Inherited retinal dystrophy. Identifiers: Orphanet 71862, MedGen C0854723, MeSH D058499, MONDO:0019118, HP:0000556.
Retinitis pigmentosa 39 (RP39). Identifiers: Orphanet 791, MedGen C3151138, MONDO:0013436, OMIM 613809.
Usher syndrome type 2A. Also called: USHER SYNDROME, TYPE IIA; RETINAL DISEASE IN USHER SYNDROME TYPE IIA, MODIFIER OF. Identifiers: Orphanet 231178, Orphanet 886, MedGen C1848634, MONDO:0010169, OMIM 276901.

Allele frequency attached by ClinVar (database versions not stated): gnomAD 0.00031 and 0.00042; gnomAD exomes 0.00034 and 0.00115; TOPMed 0.00061; ExAC 0.00121; 1000 Genomes Project 30x 0.00203; 1000 Genomes Project 0.00240.
gnomAD v4.1: 566 of 1,614,076 alleles (0.035%); highest among the groups gnomAD compares: East Asian, 1.1%; 2 homozygotes.

Submissions (12):

Labcorp Genetics (formerly Invitae), Labcorp
Classification: Benign. Last evaluated: 2026-01-20. Review status: criteria provided, single submitter. Criteria: Invitae Variant Classification Sherloc (09022015). Collection method: clinical testing. Allele origin: germline.

Blueprint Genetics
Classification: Likely benign. Last evaluated: 2024-11-18. Review status: criteria provided, single submitter. Criteria: ACMG Guidelines, 2015. Collection method: clinical testing. Allele origin: germline.

Genome-Nilou Lab
Classification: Likely benign for Retinitis pigmentosa 39. Last evaluated: 2023-11-04. Review status: criteria provided, single submitter. Criteria: ACMG Guidelines, 2015. Collection method: clinical testing. Allele origin: germline. Affected: no.

Genome-Nilou Lab
Classification: Likely benign for Usher syndrome type 2A. Last evaluated: 2023-11-04. Review status: criteria provided, single submitter. Criteria: ACMG Guidelines, 2015. Collection method: clinical testing. Allele origin: germline. Affected: no.

Dept Of Ophthalmology, Nagoya University
Classification: Benign for Retinal dystrophy. Last evaluated: 2023-10-01. Review status: criteria provided, single submitter. Criteria: Submitter's publication. Collection method: research. Allele origin: germline. Affected: yes.

CeGaT Center for Human Genetics Tuebingen
Classification: Likely benign. Last evaluated: 2023-02-01. Review status: criteria provided, single submitter. Criteria: CeGaT Center For Human Genetics Tuebingen Variant Classification Criteria Version 2. Collection method: clinical testing. Allele origin: germline. Affected: yes. Observed: 1 variant allele.
Comment: USH2A: BP4, BS1

Women's Health and Genetics/Laboratory Corporation of America, LabCorp
Classification: Benign. Last evaluated: 2022-03-05. Review status: criteria provided, single submitter. Criteria: LabCorp Variant Classification Summary - May 2015. Collection method: clinical testing. Allele origin: germline.
Comment: Variant summary: USH2A c.9915G>C (p.Glu3305Asp) results in a conservative amino acid change in the encoded protein sequence. Five of five in-silico tools predict a benign effect of the variant on protein function. The variant allele was found at a frequency of 0.0011 in 251264 control chromosomes, predominantly at a frequency of 0.015 within the East Asian subpopulation in the gnomAD database, including 2 homozygotes. The observed variant frequency within East Asian control individuals in the gnomAD database is approximately 1.4 fold of the estimated maximal expected allele frequency for a pathogenic variant in USH2A causing Usher Syndrome phenotype (0.011), strongly suggesting that the variant is a benign polymorphism found primarily in populations of East Asian origin. Although reported in the literature, to our knowledge, no penetrant association of c.9915G>C in individuals affected with Usher Syndrome and no experimental evidence demonstrating its impact on protein function have been reported. Four clinical diagnostic laboratories have submitted clinical-significance assessments for this variant to ClinVar after 2014 without evidence for independent evaluation. All laboratories classified the variant as benign/likely benign. Based on the evidence outlined above, the variant was classified as benign.

Fulgent Genetics
Classification: Likely benign for Usher syndrome type 2A; Retinitis pigmentosa 39. Last evaluated: 2022-03-01. Review status: criteria provided, single submitter. Criteria: ACMG Guidelines, 2015. Collection method: clinical testing. Allele origin: unknown.

ARUP Laboratories, Molecular Genetics and Genomics, ARUP Laboratories
Classification: Likely benign. Last evaluated: 2022-02-28. Review status: criteria provided, single submitter. Criteria: ARUP Molecular Germline Variant Investigation Process 2021. Collection method: clinical testing. Allele origin: germline.

GeneDx
Classification: Likely benign. Last evaluated: 2021-02-01. Review status: criteria provided, single submitter. Criteria: GeneDx Variant Classification Process June 2021. Collection method: clinical testing. Allele origin: germline. Affected: yes.
Comment: This variant is associated with the following publications: (PMID: 23591405, 24938718)

Laboratory for Molecular Medicine, Mass General Brigham Personalized Medicine
Classification: Benign. Last evaluated: 2017-09-04. Review status: criteria provided, single submitter. Criteria: LMM Criteria. Collection method: clinical testing. Allele origin: germline. Observed: 2 variant alleles.
Comment: p.Glu3305Asp in exon 50 of USH2A: This variant is not expected to have clinical significance because it is has been identified in 1.57% (297/18854) of East Asia n chromosomes by the Genome Aggregation Database (gnomAD; dbSNP rs145278250).

Natera, Inc.
Classification: Benign for Usher syndrome type 2A. Last evaluated: 2020-01-17. Review status: no assertion criteria provided. Collection method: clinical testing. Allele origin: germline. Not counted in ClinVar's aggregate classification.

NM_206933.4(USH2A):c.9915G>C (p.Glu3305Asp)

Gene: USH2A (usherin; minus strand). Cytogenetic location: 1q41.
Variant type: single nucleotide variant.
Coding change: c.9915G>C on transcript NM_206933.4 (MANE Select); coding-DNA position 9915, G replaced by C.
Protein change: p.Glu3305Asp; replaces glutamic acid 3305 with aspartic acid.
Molecular consequence: missense variant.
Genome position (GRCh38, 1-based): chr1:215,798,950, C>G on the plus strand (G>C on the coding strand, the complement: USH2A is on the minus strand). VCF-style: chr1-215798950-C-G. GRCh37 (hg19) VCF-style: chr1-215972292-C-G.
Other names: short protein forms E3305D.
Identifiers: ClinVar variation 48635 (VCV000048635.46), dbSNP rs145278250, ClinGen allele CA143674.